The following is an entry in ClinVar:

ClinVar aggregate classification (germline): Conflicting classifications of pathogenicity. Review status: criteria provided, conflicting classifications (1 of 4 stars). 7 submissions from 6 submitters: Uncertain significance (6); Benign (1). Last evaluated 2026-08-19.

Conditions:
Inborn genetic diseases. Identifiers: MedGen C0950123, MeSH D030342.
Spinocerebellar ataxia, autosomal recessive, with axonal neuropathy 2 (SCAN2). Also called: Ataxia-ocular apraxia-2; Ataxia with Oculomotor Apraxia Type 2; ATAXIA-OCULOMOTOR APRAXIA 2; Ataxia with Oculomotor Apraxia. Identifiers: Orphanet 64753, MedGen C1853761, MONDO:0018996, OMIM 606002.
Amyotrophic lateral sclerosis type 4 (ALS4). Also called: AMYOTROPHIC LATERAL SCLEROSIS 4, JUVENILE; NEURONOPATHY, DISTAL HEREDITARY MOTOR, WITH PYRAMIDAL FEATURES. Identifiers: Orphanet 357043, MedGen C1865409, MONDO:0011223, OMIM 602433.
SETX-related disorder. Also called: SETX-related condition; SETX-related disorders. Identifiers: MedGen CN239403.

Allele frequency attached by ClinVar (database versions not stated): gnomAD 0.00001; TOPMed 0.00002; gnomAD exomes 0.00005 and 0.00008; ExAC 0.00012; 1000 Genomes Project 30x 0.00016; 1000 Genomes Project 0.00020.
gnomAD v4.1: 72 of 1,614,228 alleles (0.0045%); highest among the groups gnomAD compares: South Asian, 0.071%; 1 homozygote.

Submissions (7):

PreventionGenetics, part of Exact Sciences
Classification: Uncertain significance for SETX-related condition. Last evaluated: 2026-08-19. Review status: criteria provided, single submitter. Criteria: ACMG Guidelines, 2015. Collection method: clinical testing. Allele origin: germline.
Comment: The SETX c.7979A>G variant is predicted to result in the amino acid substitution p.Asp2660Gly. To our knowledge, this variant has not been reported in the literature. This variant is reported in 0.062% of alleles in individuals of South Asian descent in gnomAD. Although we suspect that this variant may be benign, at this time, the clinical significance of this variant is uncertain due to the absence of conclusive functional and genetic evidence.

Labcorp Genetics (formerly Invitae), Labcorp
Classification: Benign for Amyotrophic lateral sclerosis type 4; Spinocerebellar ataxia, autosomal recessive, with axonal neuropathy 2. Last evaluated: 2023-10-01. Review status: criteria provided, single submitter. Criteria: Invitae Variant Classification Sherloc (09022015). Collection method: clinical testing. Allele origin: germline.

Athena Diagnostics
Classification: Uncertain significance. Last evaluated: 2023-05-17. Review status: criteria provided, single submitter. Criteria: Athena Diagnostics Criteria. Collection method: clinical testing. Allele origin: unknown.
Comment: Available data are insufficient to determine the clinical significance of the variant at this time. The frequency of this variant in the general population is higher than would generally be expected for pathogenic variants in this gene. Computational tools predict that this variant is not damaging.

Genome-Nilou Lab
Classification: Uncertain significance for Spinocerebellar ataxia, autosomal recessive, with axonal neuropathy 2. Last evaluated: 2023-02-08. Review status: criteria provided, single submitter. Criteria: ACMG Guidelines, 2015. Collection method: clinical testing. Allele origin: germline.

Genome-Nilou Lab
Classification: Uncertain significance for Amyotrophic lateral sclerosis type 4. Last evaluated: 2023-02-08. Review status: criteria provided, single submitter. Criteria: ACMG Guidelines, 2015. Collection method: clinical testing. Allele origin: germline.

Mayo Clinic Laboratories, Mayo Clinic
Classification: Uncertain significance. Last evaluated: 2020-07-10. Review status: criteria provided, single submitter. Criteria: ACMG Guidelines, 2015. Collection method: clinical testing. Allele origin: germline. Observed: 1 variant allele.

Ambry Genetics
Classification: Uncertain significance for Inborn genetic diseases. Last evaluated: 2019-12-19. Review status: criteria provided, single submitter. Criteria: Ambry Variant Classification Scheme 2023. Collection method: clinical testing. Allele origin: germline.
Comment: The p.D2660G variant (also known as c.7979A>G), located in coding exon 24 of the SETX gene, results from an A to G substitution at nucleotide position 7979. The aspartic acid at codon 2660 is replaced by glycine, an amino acid with similar properties. This amino acid position is well conserved in available vertebrate species. In addition, the in silico prediction for this alteration is inconclusive. Since supporting evidence is limited at this time, the clinical significance of this alteration remains unclear.

NM_015046.7(SETX):c.7979A>G (p.Asp2660Gly)

Gene: SETX (senataxin; minus strand). Cytogenetic location: 9q34.13.
Variant type: single nucleotide variant.
Coding change: c.7979A>G on transcript NM_015046.7 (MANE Select); coding-DNA position 7979, A replaced by G.
Protein change: p.Asp2660Gly; replaces aspartic acid 2660 with glycine.
Molecular consequence: missense variant.
Genome position (GRCh38, 1-based): chr9:132,264,294, T>C on the plus strand (A>G on the coding strand, the complement: SETX is on the minus strand). VCF-style: chr9-132264294-T-C. GRCh37 (hg19) VCF-style: chr9-135139681-T-C.
Other names: c.7979A>G, p.Asp2660Gly (NM_001351527.2); c.8066A>G, p.Asp2689Gly (NM_001351528.2); short protein forms D2660G, D2689G.
Identifiers: ClinVar variation 1163904 (VCV001163904.14), dbSNP rs567672087, ClinGen allele CA5296280.